The following is an entry in ClinVar:

ClinVar aggregate classification (germline): Uncertain significance. Review status: criteria provided, multiple submitters, no conflicts (2 of 4 stars). 3 submissions from 3 submitters: Uncertain significance (3). Last evaluated 2025-11-09.

Conditions:
Autoinflammatory syndrome. Identifiers: Orphanet 93665, MedGen C3890737, MONDO:0019751.
Familial cold autoinflammatory syndrome 2 (FCAS2). Identifiers: Orphanet 247868, MedGen C2673198, MONDO:0012724, OMIM 611762.

Allele frequency attached by ClinVar (database versions not stated): gnomAD exomes below 0.00001 and 0.00001.

Submissions (3):

Labcorp Genetics (formerly Invitae), Labcorp
Classification: Uncertain significance for Familial cold autoinflammatory syndrome 2. Last evaluated: 2025-11-09. Review status: criteria provided, single submitter. Criteria: Invitae Variant Classification Sherloc (09022015). Collection method: clinical testing. Allele origin: germline.
Comment: This sequence change affects the initiator codon of the NLRP12 mRNA. This change may impact translation initiation or efficiency. The next in-frame methionine is located at codon 48. The frequency data for this variant in the population databases is considered unreliable, as metrics indicate poor data quality at this position in the gnomAD database. This variant has not been reported in the literature in individuals affected with NLRP12-related conditions. ClinVar contains an entry for this variant (Variation ID: 1044108). Algorithms developed to predict the effect of sequence changes on RNA splicing suggest that this variant may create or strengthen a splice site. In summary, the available evidence is currently insufficient to determine the role of this variant in disease. Therefore, it has been classified as a Variant of Uncertain Significance.

GeneDx
Classification: Uncertain significance. Last evaluated: 2025-05-20. Review status: criteria provided, single submitter. Criteria: GeneDx Variant Classification Process June 2021. Collection method: clinical testing. Allele origin: germline. Affected: yes.
Comment: Not observed at significant frequency in large population cohorts (gnomAD); Initiation codon variant predicted to alter the protein; however, a downstream in-frame Methionine residue could serve as an alternate initiator codon; Has not been previously published as pathogenic or benign to our knowledge

Genome Diagnostics Laboratory, The Hospital for Sick Children
Classification: Uncertain significance for Autoinflammatory syndrome. Last evaluated: 2020-01-01. Review status: criteria provided, single submitter. Criteria: ACMG Guidelines, 2015. Collection method: clinical testing. Allele origin: germline. Affected: yes.

NM_144687.4(NLRP12):c.1A>T (p.Met1Leu)

Gene: NLRP12 (NLR family pyrin domain containing 12; minus strand). Cytogenetic location: 19q13.42.
Variant type: single nucleotide variant.
Coding change: c.1A>T on transcript NM_144687.4 (MANE Select); coding-DNA position 1, A replaced by T.
Protein change: p.Met1Leu; changes the start codon (methionine 1).
Molecular consequence: missense variant, initiator codon variant.
Genome position (GRCh38, 1-based): chr19:53,824,174, T>A on the plus strand (A>T on the coding strand, the complement: NLRP12 is on the minus strand). VCF-style: chr19-53824174-T-A. GRCh37 (hg19) VCF-style: chr19-54327428-T-A.
Other names: c.1A>T, p.Met1Leu (NM_001277126.2, NM_001277129.1); short protein forms M1L.
Identifiers: ClinVar variation 1044108 (VCV001044108.18), dbSNP rs1386409873, ClinGen allele CA407419532.
Genomic context (GRCh38, chr19:53,824,174, plus strand): 5'-CGAGTTCTTCCAAGTAGGTGGACAGGCGACAGAGGCCGTCCCTGCCTGCGGTTCGTAGCA[T>A]GGGGGTGCCGTGAGCCCCAAAGGAGAGGACCTGGAGGCTGAGATGCTCCTATGCACGGGA-3'
Protein context (NP_653288.1, residues 1-11): [Met1Leu]LRTAGRDGLC